The following is an entry in ClinVar:

ClinVar aggregate classification (germline): Uncertain significance (1 of 4 stars; one submission).

Conditions:
Microcephaly, normal intelligence and immunodeficiency (NBS). Also called: Immunodeficiency, microcephaly with normal intelligence; Ataxia telangiectasia variant V1; Nijmegen breakage syndrome; Microcephaly with normal intelligence immunodeficiency and lymphoreticular malignancies; Nonsyndromal microcephaly autosomal recessive with normal intelligence; Seemanova syndrome 2. Identifiers: Orphanet 647, MedGen C0398791, MONDO:0009623, OMIM 251260.

Submission:

Labcorp Genetics (formerly Invitae), Labcorp
Classification: Uncertain significance for Microcephaly, normal intelligence and immunodeficiency. Last evaluated: 2021-12-24. Review status: criteria provided, single submitter. Criteria: Invitae Variant Classification Sherloc (09022015). Collection method: clinical testing. Allele origin: germline.
Comment: In summary, the available evidence is currently insufficient to determine the role of this variant in disease. Therefore, it has been classified as a Variant of Uncertain Significance. This sequence change replaces methionine, which is neutral and non-polar, with isoleucine, which is neutral and non-polar, at codon 424 of the NBN protein (p.Met424Ile). This variant is not present in population databases (gnomAD no frequency). This variant has not been reported in the literature in individuals affected with NBN-related conditions. Algorithms developed to predict the effect of missense changes on protein structure and function (SIFT, PolyPhen-2, Align-GVGD) all suggest that this variant is likely to be tolerated.

NM_002485.5(NBN):c.1272G>T (p.Met424Ile)

Gene: NBN (nibrin; minus strand). Cytogenetic location: 8q21.3.
Variant type: single nucleotide variant.
Coding change: c.1272G>T on transcript NM_002485.5 (MANE Select); coding-DNA position 1272, G replaced by T.
Protein change: p.Met424Ile; replaces methionine 424 with isoleucine.
Molecular consequence: missense variant.
Genome position (GRCh38, 1-based): chr8:89,955,408, C>A on the plus strand (G>T on the coding strand, the complement: NBN is on the minus strand). VCF-style: chr8-89955408-C-A. GRCh37 (hg19) VCF-style: chr8-90967636-C-A.
Other names: c.1026G>T, p.Met342Ile (NM_001024688.3); short protein forms M342I, M424I.
Identifiers: ClinVar variation 2056591 (VCV002056591.4), dbSNP rs2488243839, ClinGen allele CA371656221.